The following is an entry in ClinVar:

NM_005902.4(SMAD3):c.658G>A (p.Asp220Asn)

Gene: SMAD3 (SMAD family member 3; plus strand). Cytogenetic location: 15q22.33.
Variant type: single nucleotide variant.
Coding change: c.658G>A on transcript NM_005902.4 (MANE Select); coding-DNA position 658, G replaced by A.
Protein change: p.Asp220Asn; replaces aspartic acid 220 with asparagine.
Molecular consequence: missense variant.
Genome position (GRCh38, 1-based): chr15:67,170,604, G>A. VCF-style: chr15-67170604-G-A. GRCh37 (hg19) VCF-style: chr15-67462942-G-A.
Other names: c.343G>A, p.Asp115Asn (NM_001145102.2); c.526G>A, p.Asp176Asn (NM_001145103.2); c.73G>A, p.Asp25Asn (NM_001145104.2); short protein forms D176N, D220N, D115N, D25N.
Identifiers: ClinVar variation 1379696 (VCV001379696.6), dbSNP rs2140301204, ClinGen allele CA392955089.

ClinVar aggregate classification (germline): Uncertain significance (1 of 4 stars; one submission).

Conditions:
Familial thoracic aortic aneurysm and aortic dissection (TAAD). Also called: Thoracic aortic aneurysms and dissections. Identifiers: Orphanet 91387, MedGen C4707243, MONDO:0019625.

Submission:

Labcorp Genetics (formerly Invitae), Labcorp
Classification: Uncertain significance for Familial thoracic aortic aneurysm and aortic dissection. Last evaluated: 2021-09-05. Review status: criteria provided, single submitter. Criteria: Invitae Variant Classification Sherloc (09022015). Collection method: clinical testing. Allele origin: germline.
Comment: This sequence change replaces aspartic acid with asparagine at codon 220 of the SMAD3 protein (p.Asp220Asn). The aspartic acid residue is highly conserved and there is a small physicochemical difference between aspartic acid and asparagine. This variant also falls at the last nucleotide of exon 5, which is part of the consensus splice site for this exon. This variant is not present in population databases (ExAC no frequency). This missense change has been observed in individual(s) with clinical features of SMAD3-related conditions (Invitae). Algorithms developed to predict the effect of missense changes on protein structure and function are either unavailable or do not agree on the potential impact of this missense change (SIFT: "Not Available"; PolyPhen-2: "Benign"; Align-GVGD: "Not Available"). Variants that disrupt the consensus splice site are a relatively common cause of aberrant splicing (PMID: 17576681, 9536098). Algorithms developed to predict the effect of sequence changes on RNA splicing suggest that this variant may disrupt the consensus splice site. In summary, the available evidence is currently insufficient to determine the role of this variant in disease. Therefore, it has been classified as a Variant of Uncertain Significance.

Literature cited by the submitters: PubMed 17576681; PubMed 9536098.